The following is an entry in ClinVar:

ClinVar aggregate classification (germline): Uncertain significance (1 of 4 stars; one submission).

Conditions:
Cardiovascular phenotype. Identifiers: MedGen CN230736.

Submission:

Ambry Genetics
Classification: Uncertain significance for Cardiovascular phenotype. Last evaluated: 2023-02-05. Review status: criteria provided, single submitter. Criteria: Ambry Variant Classification Scheme 2023. Collection method: clinical testing. Allele origin: germline.
Comment: The p.A513D variant (also known as c.1538C>A), located in coding exon 8 of the EPHB4 gene, results from a C to A substitution at nucleotide position 1538. The alanine at codon 513 is replaced by aspartic acid, an amino acid with dissimilar properties. This amino acid position is conserved. In addition, this alteration is predicted to be deleterious by in silico analysis. Since supporting evidence is limited at this time, the clinical significance of this alteration remains unclear.

NM_004444.5(EPHB4):c.1538C>A (p.Ala513Asp)

Gene: EPHB4 (EPH receptor B4; minus strand). Cytogenetic location: 7q22.1.
Variant type: single nucleotide variant.
Coding change: c.1538C>A on transcript NM_004444.5 (MANE Select); coding-DNA position 1538, C replaced by A.
Protein change: p.Ala513Asp; replaces alanine 513 with aspartic acid.
Molecular consequence: missense variant.
Genome position (GRCh38, 1-based): chr7:100,817,242, G>T on the plus strand (C>A on the coding strand, the complement: EPHB4 is on the minus strand). VCF-style: chr7-100817242-G-T. GRCh37 (hg19) VCF-style: chr7-100414864-G-T.
Other names: short protein forms A513D.
Identifiers: ClinVar variation 2450411 (VCV002450411.2), dbSNP rs750401010, ClinGen allele CA368572805.